The following is an entry in ClinVar:

NM_003000.3(SDHB):c.695C>T (p.Ala232Val)

Gene: SDHB (succinate dehydrogenase complex iron sulfur subunit B; minus strand). Cytogenetic location: 1p36.13.
Variant type: single nucleotide variant.
Coding change: c.695C>T on transcript NM_003000.3 (MANE Select); coding-DNA position 695, C replaced by T.
Protein change: p.Ala232Val; replaces alanine 232 with valine.
Molecular consequence: missense variant.
Genome position (GRCh38, 1-based): chr1:17,022,678, G>A on the plus strand (C>T on the coding strand, the complement: SDHB is on the minus strand). VCF-style: chr1-17022678-G-A. GRCh37 (hg19) VCF-style: chr1-17349173-G-A.
Other names: short protein forms A232V.
Identifiers: ClinVar variation 459164 (VCV000459164.18), dbSNP rs746224555, ClinGen allele CA089709.

ClinVar aggregate classification (germline): Uncertain significance. Review status: criteria provided, multiple submitters, no conflicts (2 of 4 stars). 8 submissions from 7 submitters: Uncertain significance (8). Last evaluated 2026-06-15.

Conditions:
Gastrointestinal stromal tumor. Also called: Gastrointestinal stroma tumor; Gastrointestinal stromal tumor, somatic. Identifiers: Orphanet 44890, MedGen C0238198, MeSH D046152, MONDO:0011719, OMIM 606764, HP:0100723.
Hereditary cancer-predisposing syndrome. Also called: Tumor predisposition; Hereditary neoplastic syndrome; Neoplastic Syndromes, Hereditary; Hereditary Cancer Syndrome. Identifiers: Orphanet 140162, MedGen C0027672, MeSH D009386, MONDO:0015356.
Hereditary pheochromocytoma and paraganglioma. Also called: Hereditary Paraganglioma-Pheochromocytoma Syndromes; Hereditary paragangliomas and pheochromocytomas; Hereditary pheochromocytoma-paraganglioma. Identifiers: Orphanet 29072, MedGen C4274332, MONDO:0017366.
Pheochromocytoma/paraganglioma syndrome 4. Also called: SDHB-Related Hereditary Paraganglioma-Pheochromocytoma Syndrome (Paragangliomas 4); CAROTID BODY TUMORS AND MULTIPLE EXTRAADRENAL PHEOCHROMOCYTOMAS; PARAGANGLIOMA, FAMILIAL MALIGNANT; PARAGANGLIOMAS, HEREDITARY EXTRAADRENAL; SDHB-Related Hereditary Paraganglioma-Pheochromocytoma Syndrome; PHEOCHROMOCYTOMA, FAMILIAL EXTRAADRENAL. Identifiers: Orphanet 29072, MedGen C1861848, MONDO:0007273, OMIM 115310.
Pheochromocytoma. Also called: MAX-Related Hereditary Paraganglioma-Pheochromocytoma Syndrome. Identifiers: Orphanet 29072, MedGen C0031511, MONDO:0008233, OMIM 171300, HP:0002666.

Allele frequency attached by ClinVar (database versions not stated): TOPMed 0.00001; gnomAD exomes 0.00002 and 0.00004; ExAC 0.00003.
gnomAD v4.1: 10 of 1,613,964 alleles (0.00062%); highest among the groups gnomAD compares: Admixed American, 0.017%; no homozygotes.

Submissions (8):

Women's Health and Genetics/Laboratory Corporation of America, LabCorp
Classification: Uncertain significance. Last evaluated: 2026-06-15. Review status: criteria provided, single submitter. Criteria: LabCorp Variant Classification Summary - May 2015. Collection method: clinical testing. Allele origin: germline.

Ambry Genetics
Classification: Uncertain significance for Hereditary cancer-predisposing syndrome. Last evaluated: 2025-08-10. Review status: criteria provided, single submitter. Criteria: Ambry Variant Classification Scheme 2023. Collection method: clinical testing. Allele origin: germline.
Comment: The p.A232V variant (also known as c.695C>T), located in coding exon 7 of the SDHB gene, results from a C to T substitution at nucleotide position 695. The alanine at codon 232 is replaced by valine, an amino acid with similar properties. This amino acid position is not well conserved in available vertebrate species. In addition, the in silico prediction for this alteration is inconclusive. Since supporting evidence is limited at this time, the clinical significance of this alteration remains unclear.

Labcorp Genetics (formerly Invitae), Labcorp
Classification: Uncertain significance for Gastrointestinal stromal tumor; Pheochromocytoma/paraganglioma syndrome 4; Pheochromocytoma. Last evaluated: 2025-07-30. Review status: criteria provided, single submitter. Criteria: Invitae Variant Classification Sherloc (09022015). Collection method: clinical testing. Allele origin: germline.
Comment: This sequence change replaces alanine, which is neutral and non-polar, with valine, which is neutral and non-polar, at codon 232 of the SDHB protein (p.Ala232Val). This variant is present in population databases (rs746224555, gnomAD 0.02%). This variant has not been reported in the literature in individuals affected with SDHB-related conditions. ClinVar contains an entry for this variant (Variation ID: 459164). Invitae Evidence Modeling of protein sequence and biophysical properties (such as structural, functional, and spatial information, amino acid conservation, physicochemical variation, residue mobility, and thermodynamic stability) indicates that this missense variant is not expected to disrupt SDHB protein function with a negative predictive value of 80%. In summary, the available evidence is currently insufficient to determine the role of this variant in disease. Therefore, it has been classified as a Variant of Uncertain Significance.

Quest Diagnostics Nichols Institute San Juan Capistrano
Classification: Uncertain significance. Last evaluated: 2025-06-10. Review status: criteria provided, single submitter. Criteria: Quest Diagnostics criteria. Collection method: clinical testing. Allele origin: unknown.

Baylor Genetics
Classification: Uncertain significance for Gastrointestinal stromal tumor. Last evaluated: 2023-12-30. Review status: criteria provided, single submitter. Criteria: ACMG Guidelines, 2015. Collection method: clinical testing. Allele origin: unknown.

GeneDx
Classification: Uncertain significance. Last evaluated: 2023-12-19. Review status: criteria provided, single submitter. Criteria: GeneDx Variant Classification Process June 2021. Collection method: clinical testing. Allele origin: germline. Affected: yes.
Comment: In silico analysis supports that this missense variant does not alter protein structure/function; Has not been previously published as pathogenic or benign to our knowledge

Color Diagnostics, LLC DBA Color Health
Classification: Uncertain significance for Hereditary pheochromocytoma and paraganglioma. Last evaluated: 2023-11-22. Review status: criteria provided, single submitter. Criteria: ACMG Guidelines, 2015. Collection method: clinical testing. Allele origin: germline.
Comment: This missense variant replaces alanine with valine at codon 232 of the SDHB protein. Computational prediction suggests that this variant may not impact protein structure and function. To our knowledge, functional studies have not been reported for this variant. This variant has not been reported in individuals affected with SDHB-related disorders in the literature. This variant has been identified in 9/251438 chromosomes in the general population by the Genome Aggregation Database (gnomAD). The available evidence is insufficient to determine the role of this variant in disease conclusively. Therefore, this variant is classified as a Variant of Uncertain Significance.

Baylor Genetics
Classification: Uncertain significance for Pheochromocytoma/paraganglioma syndrome 4. Last evaluated: 2020-04-10. Review status: criteria provided, single submitter. Criteria: ACMG Guidelines, 2015. Collection method: clinical testing. Allele origin: maternal. Affected: yes. Study: CSER-TexasKidsCanSeq.
Comment: This variant was determined to be of uncertain significance according to ACMG Guidelines, 2015 [PMID:25741868].